The following is an entry in ClinVar:

ClinVar aggregate classification (germline): Conflicting classifications of pathogenicity. Review status: criteria provided, conflicting classifications (1 of 4 stars). 4 submissions from 4 submitters: Uncertain significance (2); Likely benign (1). 1 of the submissions does not count toward it. Last evaluated 2026-01-13.

Conditions:
Neuronal ceroid lipofuscinosis. Also called: Neuronal Ceroid Lipofuscinoses. Identifiers: Orphanet 216, Orphanet 79263, MedGen C0027877, MONDO:0016295. Disease mechanism: loss of function.
Inborn genetic diseases. Identifiers: MedGen C0950123, MeSH D030342.
Neuronal ceroid lipofuscinosis 8 (CLN8). Also called: CLN8-Related Neuronal Ceroid-Lipofuscinosis. Identifiers: Orphanet 168491, Orphanet 228354, Orphanet 79264, MedGen C1838570, MONDO:0010830, OMIM 600143.

Allele frequency attached by ClinVar (database versions not stated): TOPMed 0.00002; gnomAD 0.00003 and 0.00004.

Submissions (4):

GeneDx
Classification: Uncertain significance. Last evaluated: 2026-01-13. Review status: criteria provided, single submitter. Criteria: GeneDx Variant Classification Process June 2021. Collection method: clinical testing. Allele origin: germline. Affected: yes.
Comment: In silico analysis suggests that this missense variant does not alter protein structure/function; Has not been previously published as pathogenic or benign to our knowledge

Labcorp Genetics (formerly Invitae), Labcorp
Classification: Uncertain significance for Neuronal ceroid lipofuscinosis. Last evaluated: 2024-12-09. Review status: criteria provided, single submitter. Criteria: Invitae Variant Classification Sherloc (09022015). Collection method: clinical testing. Allele origin: germline.
Comment: This sequence change replaces asparagine, which is neutral and polar, with serine, which is neutral and polar, at codon 259 of the CLN8 protein (p.Asn259Ser). This variant is present in population databases (rs201956727, gnomAD 0.02%). This variant has not been reported in the literature in individuals affected with CLN8-related conditions. ClinVar contains an entry for this variant (Variation ID: 205210). Invitae Evidence Modeling of protein sequence and biophysical properties (such as structural, functional, and spatial information, amino acid conservation, physicochemical variation, residue mobility, and thermodynamic stability) indicates that this missense variant is not expected to disrupt CLN8 protein function with a negative predictive value of 95%. In summary, the available evidence is currently insufficient to determine the role of this variant in disease. Therefore, it has been classified as a Variant of Uncertain Significance.

Ambry Genetics
Classification: Likely benign for Inborn genetic diseases. Last evaluated: 2021-07-20. Review status: criteria provided, single submitter. Criteria: Ambry Variant Classification Scheme 2023. Collection method: clinical testing. Allele origin: germline.

Natera, Inc.
Classification: Uncertain significance for Neuronal ceroid lipofuscinosis 8. Last evaluated: 2020-02-12. Review status: no assertion criteria provided. Collection method: clinical testing. Allele origin: germline. Not counted in ClinVar's aggregate classification.

NM_018941.4(CLN8):c.776A>G (p.Asn259Ser)

Gene: CLN8 (CLN8 transmembrane ER and ERGIC protein; plus strand). Cytogenetic location: 8p23.3.
Variant type: single nucleotide variant.
Coding change: c.776A>G on transcript NM_018941.4 (MANE Select); coding-DNA position 776, A replaced by G.
Protein change: p.Asn259Ser; replaces asparagine 259 with serine.
Molecular consequence: missense variant.
Genome position (GRCh38, 1-based): chr8:1,780,482, A>G. VCF-style: chr8-1780482-A-G. GRCh37 (hg19) VCF-style: chr8-1728648-A-G.
Other names: p.N259S:AAT>AGT; short protein forms N259S.
Identifiers: ClinVar variation 205210 (VCV000205210.13), dbSNP rs201956727, ClinGen allele CA314061.